The following is an entry in ClinVar:

NM_000553.6(WRN):c.1075G>A (p.Gly359Arg)

Gene: WRN (WRN RecQ like helicase; plus strand). Cytogenetic location: 8p12.
Variant type: single nucleotide variant.
Coding change: c.1075G>A on transcript NM_000553.6 (MANE Select); coding-DNA position 1075, G replaced by A.
Protein change: p.Gly359Arg; replaces glycine 359 with arginine.
Molecular consequence: missense variant.
Genome position (GRCh38, 1-based): chr8:31,081,102, G>A. VCF-style: chr8-31081102-G-A. GRCh37 (hg19) VCF-style: chr8-30938618-G-A.
Other names: short protein forms G359R.
Identifiers: ClinVar variation 566695 (VCV000566695.7), dbSNP rs1433935133, ClinGen allele CA370920572.

ClinVar aggregate classification (germline): Uncertain significance. Review status: criteria provided, multiple submitters, no conflicts (2 of 4 stars). 2 submissions from 2 submitters: Uncertain significance (2). Last evaluated 2025-11-20.

Conditions:
Werner syndrome (WRN). Identifiers: Orphanet 902, MedGen C0043119, MONDO:0010196, OMIM 277700.
Inborn genetic diseases. Identifiers: MedGen C0950123, MeSH D030342.

Allele frequency attached by ClinVar (database versions not stated): gnomAD exomes below 0.00001; gnomAD 0.00002; TOPMed 0.00002.
gnomAD v4.1: 5 of 1,613,898 alleles (0.00031%); highest among the groups gnomAD compares: African/African-American, 0.0053%; no homozygotes.

Submissions (2):

Ambry Genetics
Classification: Uncertain significance for Inborn genetic diseases. Last evaluated: 2025-11-20. Review status: criteria provided, single submitter. Criteria: Ambry Variant Classification Scheme 2023. Collection method: clinical testing. Allele origin: germline.

Labcorp Genetics (formerly Invitae), Labcorp
Classification: Uncertain significance for Werner syndrome. Last evaluated: 2023-07-18. Review status: criteria provided, single submitter. Criteria: Invitae Variant Classification Sherloc (09022015). Collection method: clinical testing. Allele origin: germline.
Comment: This sequence change replaces glycine, which is neutral and non-polar, with arginine, which is basic and polar, at codon 359 of the WRN protein (p.Gly359Arg). This variant is present in population databases (no rsID available, gnomAD 0.006%). This variant has not been reported in the literature in individuals affected with WRN-related conditions. ClinVar contains an entry for this variant (Variation ID: 566695). Algorithms developed to predict the effect of missense changes on protein structure and function output the following: SIFT: "Not Available"; PolyPhen-2: "Benign"; Align-GVGD: "Not Available". The arginine amino acid residue is found in multiple mammalian species, which suggests that this missense change does not adversely affect protein function. In summary, the available evidence is currently insufficient to determine the role of this variant in disease. Therefore, it has been classified as a Variant of Uncertain Significance.